The following is an entry in ClinVar:

ClinVar aggregate classification (germline): Uncertain significance (1 of 4 stars; one submission).

Submission:

Labcorp Genetics (formerly Invitae), Labcorp
Classification: Uncertain significance. Last evaluated: 2021-04-24. Review status: criteria provided, single submitter. Criteria: Invitae Variant Classification Sherloc (09022015). Collection method: clinical testing. Allele origin: germline.
Comment: This sequence change results in a premature translational stop signal in the RGS9BP gene (p.Phe217*). While this is not anticipated to result in nonsense mediated decay, it is expected to disrupt the last 19 amino acids of the RGS9BP protein. The frequency data for this variant in the population databases is not available, as this variant may be reported as separate entries in the ExAC database. This variant has not been reported in the literature in individuals with RGS9BP-related conditions. Experimental studies and prediction algorithms are not available or were not evaluated, and the functional significance of this variant is currently unknown. In summary, the available evidence is currently insufficient to determine the role of this variant in disease. Therefore, it has been classified as a Variant of Uncertain Significance. The current clinical and genetic evidence is not sufficient to establish whether loss-of-function variants in RGS9BP cause disease.

NM_207391.3(RGS9BP):c.650_651delinsAA (p.Phe217Ter)

Gene: RGS9BP (regulator of G protein signaling 9 binding protein; plus strand). Cytogenetic location: 19q13.11.
Variant type: Indel.
Coding change: c.650_651delinsAA on transcript NM_207391.3 (MANE Select); coding-DNA positions 650 to 651, TC replaced by AA.
Protein change: p.Phe217Ter; replaces phenylalanine 217 with a stop codon.
Molecular consequence: nonsense.
Genome position (GRCh38, 1-based): chr19:32,676,913-32,676,914, TC replaced by AA. VCF-style: chr19-32676913-TC-AA. GRCh37 (hg19) VCF-style: chr19-33167819-TC-AA.
Other names: short protein forms F217*.
Identifiers: ClinVar variation 1039186 (VCV001039186.6), dbSNP rs1968018137, ClinGen allele CA2332366917.